The following is an entry in ClinVar:

NM_002432.3(MNDA):c.127T>C (p.Tyr43His)

Gene: MNDA (myeloid cell nuclear differentiation antigen; plus strand). Cytogenetic location: 1q23.1.
Variant type: single nucleotide variant.
Coding change: c.127T>C on transcript NM_002432.3 (MANE Select); coding-DNA position 127, T replaced by C.
Protein change: p.Tyr43His; replaces tyrosine 43 with histidine.
Molecular consequence: missense variant.
Genome position (GRCh38, 1-based): chr1:158,842,280, T>C. VCF-style: chr1-158842280-T-C. GRCh37 (hg19) VCF-style: chr1-158812070-T-C.
Other names: short protein forms Y43H.
Identifiers: ClinVar variation 1767677 (VCV001767677.3), dbSNP rs2526075036, ClinGen allele CA343036800.
Genomic context (GRCh38, chr1:158,842,280, plus strand): 5'-ACATCAATTAAGTCCTTACTGGCCTATGATTTAGGACTAACTACAAAAATGCAAGAGGAA[T>C]ACAACAGAATTAAGATTACAGATTTGATGGAAAAAAAGTTCCAAGGCGTTGCCTGTCTAG-3'
Protein context (NP_002423.1, residues 33-53): LGLTTKMQEE[Tyr43His]NRIKITDLME

ClinVar aggregate classification (germline): Uncertain significance (1 of 4 stars; one submission).

Allele frequency attached by ClinVar (database versions not stated): gnomAD exomes below 0.00001.

Submission:

Ambry Genetics
Classification: Uncertain significance. Last evaluated: 2024-04-07. Review status: criteria provided, single submitter. Criteria: Ambry Variant Classification Scheme 2023. Collection method: clinical testing. Allele origin: germline.
Comment: The p.Y43H variant (also known as c.127T>C), located in coding exon 1 of the MNDA gene, results from a T to C substitution at nucleotide position 127. The tyrosine at codon 43 is replaced by histidine, an amino acid with similar properties. This amino acid position is conserved. In addition, this alteration is predicted to be tolerated by in silico analysis. Since supporting evidence is limited at this time, the clinical significance of this alteration remains unclear.